The following is an entry in ClinVar:

NM_000094.4(COL7A1):c.7129G>A (p.Gly2377Ser)

Gene: COL7A1 (collagen type VII alpha 1 chain; minus strand). Cytogenetic location: 3p21.31.
Variant type: single nucleotide variant.
Coding change: c.7129G>A on transcript NM_000094.4 (MANE Select); coding-DNA position 7129, G replaced by A.
Protein change: p.Gly2377Ser; replaces glycine 2377 with serine.
Molecular consequence: missense variant.
Genome position (GRCh38, 1-based): chr3:48,571,136, C>T on the plus strand (G>A on the coding strand, the complement: COL7A1 is on the minus strand). VCF-style: chr3-48571136-C-T. GRCh37 (hg19) VCF-style: chr3-48608569-C-T.
Other names: short protein forms G2377S.
Identifiers: ClinVar variation 2203358 (VCV002203358.5), dbSNP rs768597948, ClinGen allele CA2378635.

ClinVar aggregate classification (germline): Pathogenic/Likely pathogenic. Review status: criteria provided, multiple submitters, no conflicts (2 of 4 stars). 2 submissions from 2 submitters: Pathogenic (1); Likely pathogenic (1). Last evaluated 2026-01-20.

Conditions:
COL7A1-related disorder. Also called: COL7A1- related disorders; COL7A1-related condition.

Allele frequency attached by ClinVar (database versions not stated): gnomAD 0.00001; ExAC 0.00002.
gnomAD v4.1: 7 of 1,613,888 alleles (0.00043%); highest among the groups gnomAD compares: Admixed American, 0.0067%; no homozygotes.

Submissions (2):

PreventionGenetics, part of Exact Sciences
Classification: Likely pathogenic for COL7A1-related condition. Last evaluated: 2026-01-20. Review status: criteria provided, single submitter. Criteria: ACMG Guidelines, 2015. Collection method: clinical testing. Allele origin: germline.
Comment: The COL7A1 c.7129G>A variant is predicted to result in the amino acid substitution p.Gly2377Ser. This variant was reported in the compound heterozygous state with a variant of uncertain significance in an individual with epidermolysis bullosa dystrophica (described as p.G2375S, Fassihi et al. 2006. PubMed ID: 16500083; Table S2, Almaani et al. 2011. PubMed ID: 21448560). This variant is reported in 0.0087% of alleles in individuals of Latino descent in gnomAD. This variant resides in exon 94 and results in a glycine residue substitution. Glycine substitution variants in the triple helical domain (Gly-X-Y; especially in exons 73, 74, and 75) are predominant in autosomal dominant dystrophic epidermolysis bullosa (DDEB; Lucky et al. 2006. [Update 2025] PubMed ID: 20301481). This variant is interpreted as likely pathogenic.

Labcorp Genetics (formerly Invitae), Labcorp
Classification: Pathogenic. Last evaluated: 2026-01-12. Review status: criteria provided, single submitter. Criteria: Invitae Variant Classification Sherloc (09022015). Collection method: clinical testing. Allele origin: germline.
Comment: This sequence change replaces glycine, which is neutral and non-polar, with serine, which is neutral and polar, at codon 2377 of the COL7A1 protein (p.Gly2377Ser). This variant is present in population databases (rs768597948, gnomAD 0.009%). This missense change has been observed in individual(s) with autosomal recessive dystrophic epidermolysis bullosa (PMID: 16500083). In at least one individual the data is consistent with being in trans (on the opposite chromosome) from a pathogenic variant. This variant is also known as G2375S. ClinVar contains an entry for this variant (Variation ID: 2203358). Invitae Evidence Modeling of protein sequence and biophysical properties (such as structural, functional, and spatial information, amino acid conservation, physicochemical variation, residue mobility, and thermodynamic stability) indicates that this missense variant is expected to disrupt COL7A1 protein function with a positive predictive value of 95%. This variant disrupts the triple helix domain of COL7A1. Glycine residues within the Gly-Xaa-Yaa repeats of the triple helix domain are required for the structure and stability of fibrillar collagens (PMID: 7695699, 8218237, 19344236), and variants at these glycine residues in COL7A1 are more frequently observed in individuals with disease than in the general population (PMID: 22058051). However, the clinical significance of this observation remains uncertain since only a limited number of affected individuals have been described to date. For these reasons, this variant has been classified as Pathogenic.

Literature cited by the submitters: PubMed 16500083 (cited by Labcorp Genetics (formerly Invitae), Labcorp); PubMed 7695699 (cited by Labcorp Genetics (formerly Invitae), Labcorp); PubMed 8218237 (cited by Labcorp Genetics (formerly Invitae), Labcorp); PubMed 19344236 (cited by Labcorp Genetics (formerly Invitae), Labcorp); PubMed 22058051 (cited by Labcorp Genetics (formerly Invitae), Labcorp).